The following is an entry in ClinVar:

NM_173560.4(RFX6):c.223+6T>G

Genes: RFX6 (regulatory factor X6; plus strand), LOC127407129 (RFX6 promoter region; plus strand). Cytogenetic location: 6q22.1.
Variant type: single nucleotide variant.
Coding change: c.223+6T>G on transcript NM_173560.4 (MANE Select); 6 bases into the intron after coding-DNA position 223, T replaced by G.
Molecular consequence: intron variant.
Genome position (GRCh38, 1-based): chr6:116,877,504, T>G. VCF-style: chr6-116877504-T-G. GRCh37 (hg19) VCF-style: chr6-117198667-T-G.
Identifiers: ClinVar variation 704782 (VCV000704782.11), dbSNP rs369655782, ClinGen allele CA3972961.

ClinVar aggregate classification (germline): Benign/Likely benign. Review status: criteria provided, multiple submitters, no conflicts (2 of 4 stars). 3 submissions from 3 submitters: Benign (1); Likely benign (1). 1 of the submissions does not count toward it. Last evaluated 2025-09-20.

Conditions:
RFX6-related disorder. Also called: RFX6-related condition.

Allele frequency attached by ClinVar (database versions not stated): ExAC 0.00064; ESP Exome Variant Server 0.00088; 1000 Genomes Project 0.00140; 1000 Genomes Project 30x 0.00156; TOPMed 0.00217.
gnomAD v4.1: 544 of 1,548,668 alleles (0.035%); highest among the groups gnomAD compares: African/African-American, 0.66%; 4 homozygotes.

Submissions (3):

Labcorp Genetics (formerly Invitae), Labcorp
Classification: Benign. Last evaluated: 2025-09-20. Review status: criteria provided, single submitter. Criteria: Invitae Variant Classification Sherloc (09022015). Collection method: clinical testing. Allele origin: germline.

Blueprint Genetics
Classification: Likely benign. Last evaluated: 2024-11-26. Review status: criteria provided, single submitter. Criteria: ACMG Guidelines, 2015. Collection method: clinical testing. Allele origin: germline.

PreventionGenetics, part of Exact Sciences
Classification: Benign for RFX6-related condition. Last evaluated: 2019-05-08. Review status: no assertion criteria provided. Collection method: clinical testing. Allele origin: germline. Not counted in ClinVar's aggregate classification.
Comment: This variant is classified as benign based on ACMG/AMP sequence variant interpretation guidelines (Richards et al. 2015 PMID: 25741868, with internal and published modifications).